The following is an entry in ClinVar:

NM_000709.4(BCKDHA):c.905A>C (p.Asp302Ala)

Gene: BCKDHA (branched chain keto acid dehydrogenase E1 subunit alpha; plus strand). Cytogenetic location: 19q13.2.
Variant type: single nucleotide variant.
Coding change: c.905A>C on transcript NM_000709.4 (MANE Select); coding-DNA position 905, A replaced by C.
Protein change: p.Asp302Ala; replaces aspartic acid 302 with alanine.
Molecular consequence: missense variant.
Genome position (GRCh38, 1-based): chr19:41,422,680, A>C. VCF-style: chr19-41422680-A-C. GRCh37 (hg19) VCF-style: chr19-41928585-A-C.
Other names: c.902A>C, p.Asp301Ala (NM_001164783.2); short protein forms D302A, D301A.
Identifiers: ClinVar variation 93377 (VCV000093377.15), dbSNP rs398123509, ClinGen allele CA221224.
Genomic context (GRCh38, chr19:41,422,680, plus strand): 5'-TCCCCACAGCAGCACGAGGCCCCGGGTATGGCATCATGTCAATCCGCGTGGATGGTAATG[A>C]TGTGTTTGCCGTATACAACGCCACAAAGGAGGCCCGACGGCGGGCTGTGGCAGAGAACCA-3'
Protein context (NP_000700.1, residues 292-312): GIMSIRVDGN[Asp302Ala]VFAVYNATKE

ClinVar aggregate classification (germline): Pathogenic. Review status: criteria provided, multiple submitters, no conflicts (2 of 4 stars). 6 submissions from 6 submitters: Pathogenic (5). 1 of the submissions does not count toward it. Last evaluated 2024-12-17.

Conditions:
Maple syrup urine disease type 1A (MSUD1A). Also called: MSUD type 1A. Identifiers: MedGen C1855369, MONDO:0023691, OMIM 248600.
Maple syrup urine disease (MSUD). Identifiers: Orphanet 511, MedGen C0024776, MeSH D008375, MONDO:0009563. Disease mechanism: loss of function.

Allele frequency attached by ClinVar (database versions not stated): gnomAD exomes 0.00001.

Submissions (6):

Genomic Medicine Center of Excellence, King Faisal Specialist Hospital and Research Centre
Classification: Pathogenic for Maple syrup urine disease type 1A. Last evaluated: 2024-12-17. Review status: criteria provided, single submitter. Criteria: ACMG Guidelines, 2015. Collection method: clinical testing. Allele origin: germline.

Labcorp Genetics (formerly Invitae), Labcorp
Classification: Pathogenic for Maple syrup urine disease. Last evaluated: 2023-09-10. Review status: criteria provided, single submitter. Criteria: Invitae Variant Classification Sherloc (09022015). Collection method: clinical testing. Allele origin: germline.
Comment: For these reasons, this variant has been classified as Pathogenic. Advanced modeling of protein sequence and biophysical properties (such as structural, functional, and spatial information, amino acid conservation, physicochemical variation, residue mobility, and thermodynamic stability) performed at Invitae indicates that this missense variant is expected to disrupt BCKDHA protein function. ClinVar contains an entry for this variant (Variation ID: 93377). This missense change has been observed in individual(s) with maple syrup urine disease (PMID: 16786533, 18378174, 31980395). This variant is not present in population databases (gnomAD no frequency). This sequence change replaces aspartic acid, which is acidic and polar, with alanine, which is neutral and non-polar, at codon 302 of the BCKDHA protein (p.Asp302Ala).

Genome-Nilou Lab
Classification: Pathogenic for Maple syrup urine disease type 1A. Last evaluated: 2021-11-07. Review status: criteria provided, single submitter. Criteria: ACMG Guidelines, 2015. Collection method: clinical testing. Allele origin: germline. Affected: no.

Women's Health and Genetics/Laboratory Corporation of America, LabCorp
Classification: Pathogenic for Maple syrup urine disease. Last evaluated: 2021-10-14. Review status: criteria provided, single submitter. Criteria: LabCorp Variant Classification Summary - May 2015. Collection method: clinical testing. Allele origin: germline.
Comment: Variant summary: BCKDHA c.905A>C (p.Asp302Ala) results in a non-conservative amino acid change in the encoded protein sequence. Five of five in-silico tools predict a damaging effect of the variant on protein function. The variant was absent in 251438 control chromosomes. c.905A>C has been reported in the literature in multiple individuals affected with Maple Syrup Urine Disease (Rodriguez-Pombo_2006, Imtiaz_2017). These data indicate that the variant is very likely to be associated with disease. One clinical diagnostic laboratory has submitted clinical-significance assessments for this variant to ClinVar after 2014 without evidence for independent evaluation and classified the variant as pathogenic. Based on the evidence outlined above, the variant was classified as pathogenic.

Eurofins Ntd Llc (ga)
Classification: Pathogenic. Last evaluated: 2013-08-25. Review status: criteria provided, single submitter. Criteria: EGL Classification Definitions. Collection method: clinical testing. Allele origin: germline. Observed: 6 variant alleles, 2 heterozygotes, 4 homozygotes.

Biochemical Molecular Genetic Laboratory, King Abdulaziz Medical City
Classification: Pathogenic for Maple syrup urine disease type 1A. Last evaluated: 2020-10-11. Review status: no assertion criteria provided. Collection method: clinical testing. Allele origin: germline. Affected: yes. Not counted in ClinVar's aggregate classification.

Literature cited by the submitters: PubMed 16786533 (cited by Labcorp Genetics (formerly Invitae), Labcorp and Women's Health and Genetics/Laboratory Corporation of America, LabCorp); PubMed 18378174 (cited by Labcorp Genetics (formerly Invitae), Labcorp); PubMed 31980395 (cited by Labcorp Genetics (formerly Invitae), Labcorp); PubMed 28417071 (cited by Women's Health and Genetics/Laboratory Corporation of America, LabCorp).